The following is an entry in ClinVar:

NM_000256.3(MYBPC3):c.2002C>T (p.Arg668Cys)

Gene: MYBPC3 (myosin binding protein C3; minus strand). Cytogenetic location: 11p11.2.
Variant type: single nucleotide variant.
Coding change: c.2002C>T on transcript NM_000256.3 (MANE Select); coding-DNA position 2002, C replaced by T.
Protein change: p.Arg668Cys; replaces arginine 668 with cysteine.
Molecular consequence: missense variant.
Genome position (GRCh38, 1-based): chr11:47,339,716, G>A on the plus strand (C>T on the coding strand, the complement: MYBPC3 is on the minus strand). VCF-style: chr11-47339716-G-A. GRCh37 (hg19) VCF-style: chr11-47361267-G-A.
Other names: short protein forms R668C.
Identifiers: ClinVar variation 180961 (VCV000180961.14), dbSNP rs730880561, ClinGen allele CA011634.

ClinVar aggregate classification (germline): Uncertain significance. Review status: criteria provided, multiple submitters, no conflicts (2 of 4 stars). 6 submissions from 6 submitters: Uncertain significance (6). Last evaluated 2025-06-24.

Conditions:
Cardiovascular phenotype. Identifiers: MedGen CN230736.
Cardiomyopathy (CMYO). Also called: Cardiomyopathies. Identifiers: Orphanet 167848, MedGen C0878544, MONDO:0004994, HP:0001638. Inheritance: Various modes of inheritance.
Hypertrophic cardiomyopathy. Also called: HYPERTROPHIC MYOCARDIOPATHY. Identifiers: Orphanet 217569, MedGen C0007194, MeSH D002312, MONDO:0005045, HP:0001639.

Allele frequency attached by ClinVar (database versions not stated): gnomAD exomes 0.00001; gnomAD 0.00001; ExAC 0.00002.
gnomAD v4.1: 16 of 1,613,788 alleles (0.00099%); highest among the groups gnomAD compares: South Asian, 0.0033%; no homozygotes.

Submissions (6):

Color Diagnostics, LLC DBA Color Health
Classification: Uncertain significance for Cardiomyopathy. Last evaluated: 2025-06-24. Review status: criteria provided, single submitter. Criteria: ACMG Guidelines, 2015. Collection method: clinical testing. Allele origin: germline.
Comment: This missense variant replaces arginine with cysteine at codon 668 of the MYBPC3 protein. Computational prediction suggests that this variant may have a deleterious impact on protein structure and function. To our knowledge, functional studies have not been reported for this variant. This variant has been reported in at least two individuals affected with hypertrophic cardiomyopathy (PMID: 21302287, 29875424, 32481709). This variant has been identified in 4/280494 chromosomes in the general population by the Genome Aggregation Database (gnomAD). The available evidence is insufficient to determine the role of this variant in disease conclusively. Therefore, this variant is classified as a Variant of Uncertain Significance.

Dasa
Classification: Uncertain significance. Last evaluated: 2024-10-21. Review status: criteria provided, single submitter. Criteria: DASA Assertion Criteria. Collection method: clinical testing. Allele origin: germline.
Comment: NM_000256.3(MYBPC3):c.2002C>T (p.Arg668Cys) is a missense variant that results in the substitution of arginine with cysteine. This variant is rare in population databases. Computational prediction algorithms are consistent with a deleterious effect. The currently available literature and clinical evidence are not sufficient to establish a definitive association between this variant and the reported condition. Therefore, this variant is classified as a variant of uncertain significance.

All of Us Research Program, National Institutes of Health
Classification: Uncertain significance for Hypertrophic cardiomyopathy. Last evaluated: 2023-12-18. Review status: criteria provided, single submitter. Criteria: ACMG Guidelines, 2015. Collection method: clinical testing. Allele origin: germline. Inheritance: Autosomal dominant inheritance. Observed: 4 variant alleles, 4 heterozygotes.
Comment: This missense variant replaces arginine with cysteine at codon 668 of the MYBPC3 protein. Computational prediction suggests that this variant may have deleterious impact on protein structure and function (internally defined REVEL score threshold >= 0.7, PMID: 27666373). Splice site prediction tools suggest that this variant may not impact RNA splicing. To our knowledge, functional studies have not been performed for this variant. This variant has been reported in 1 individual affected with hypertrophic cardiomyopathy (PMID: 21302287). This variant has been identified in 4/280494 chromosomes in the general population by the Genome Aggregation Database (gnomAD). The available evidence is insufficient to determine the role of this variant in disease conclusively. Therefore, this variant is classified as a Variant of Uncertain Significance.

This study involves interpretation of variants in research participants for the purpose of population health screening. Participant phenotype was not available at the time of variant classification. Additional details can be found in publication PMID: 35346344, PMCID: PMC8962531

Ambry Genetics
Classification: Uncertain significance for Cardiovascular phenotype. Last evaluated: 2023-06-05. Review status: criteria provided, single submitter. Criteria: Ambry Variant Classification Scheme 2023. Collection method: clinical testing. Allele origin: germline.
Comment: The p.R668C variant (also known as c.2002C>T), located in coding exon 21 of the MYBPC3 gene, results from a C to T substitution at nucleotide position 2002. The arginine at codon 668 is replaced by cysteine, an amino acid with highly dissimilar properties. This alteration has been reported in hypertrophic cardiomyopathy (HCM) cohorts (Roncarati R et al. J Cell Physiol, 2011 Nov;226:2894-900; Mazzarotto F et al. Genet Med, 2019 Feb;21:284-292; Magr&igrave; D et al. J Clin Med, 2020 May;9:[ePub ahead of print]). This amino acid position is highly conserved in available vertebrate species. In addition, this alteration is predicted to be deleterious by in silico analysis. Since supporting evidence is limited at this time, the clinical significance of this alteration remains unclear.

AiLife Diagnostics
Classification: Uncertain significance. Last evaluated: 2022-02-16. Review status: criteria provided, single submitter. Criteria: ACMG Guidelines, 2015. Collection method: clinical testing. Allele origin: germline. Affected: yes. Observed: 1 variant allele.

CHEO Genetics Diagnostic Laboratory, Children's Hospital of Eastern Ontario
Classification: Uncertain significance for Cardiomyopathy. Last evaluated: 2020-06-09. Review status: criteria provided, single submitter. Criteria: ACMG Guidelines, 2015. Collection method: clinical testing. Allele origin: germline.

Literature cited by the submitters: PubMed 21302287 (cited by 4 submitters); PubMed 29875424 (cited by Color Diagnostics, LLC DBA Color Health and Ambry Genetics); PubMed 32481709 (cited by Color Diagnostics, LLC DBA Color Health and Ambry Genetics); PubMed 35753512 (cited by Ambry Genetics).